The following is an entry in ClinVar:

NM_000051.4(ATM):c.3318G>A (p.Arg1106=)

Gene: ATM (ATM serine/threonine kinase; plus strand). Cytogenetic location: 11q22.3.
Variant type: single nucleotide variant.
Coding change: c.3318G>A on transcript NM_000051.4 (MANE Select); coding-DNA position 3318, G replaced by A.
Protein change: p.Arg1106=; no amino-acid change (arginine 1106 retained).
Molecular consequence: synonymous variant.
Genome position (GRCh38, 1-based): chr11:108,279,524, G>A. VCF-style: chr11-108279524-G-A. GRCh37 (hg19) VCF-style: chr11-108150251-G-A.
Other names: c.3318G>A, p.Arg1106= (NM_001351834.2).
Identifiers: ClinVar variation 1730160 (VCV001730160.6), dbSNP rs1270253440, ClinGen allele CA476672670.

ClinVar aggregate classification (germline): Benign/Likely benign. Review status: criteria provided, multiple submitters, no conflicts (2 of 4 stars). 3 submissions from 3 submitters: Benign (1); Likely benign (2). Last evaluated 2024-12-25.

Conditions:
Ataxia-telangiectasia syndrome (AT). Also called: LOUIS-BAR SYNDROME; Cerebello-oculocutaneous telangiectasia; Immunodeficiency with ataxia telangiectasia; Ataxia-telangiectasia, complementation group D; AT, COMPLEMENTATION GROUP C; ATAXIA-TELANGIECTASIA, COMPLEMENTATION GROUP A. Identifiers: Orphanet 100, MedGen C0004135, MONDO:0008840, OMIM 208900.
Hereditary cancer-predisposing syndrome. Also called: Neoplastic Syndromes, Hereditary; Tumor predisposition; Hereditary Cancer Syndrome; Hereditary neoplastic syndrome. Identifiers: Orphanet 140162, MedGen C0027672, MeSH D009386, MONDO:0015356.
Familial cancer of breast. Also called: BREAST CANCER, FAMILIAL; Hereditary breast cancer; hereditary breast carcinoma. Identifiers: Orphanet 227535, MedGen C0346153, MONDO:0016419, OMIM 114480. Disease mechanism: loss of function.

Submissions (3):

Labcorp Genetics (formerly Invitae), Labcorp
Classification: Likely benign for Ataxia-telangiectasia syndrome. Last evaluated: 2024-12-25. Review status: criteria provided, single submitter. Criteria: Invitae Variant Classification Sherloc (09022015). Collection method: clinical testing. Allele origin: germline.

Myriad Genetics, Inc.
Classification: Benign for Familial cancer of breast. Last evaluated: 2024-05-14. Review status: criteria provided, single submitter. Criteria: Myriad Autosomal Dominant, Autosomal Recessive and X-Linked Classification Criteria (2023). Collection method: clinical testing. Allele origin: unknown.
Comment: This variant is considered benign. This variant is a silent/synonymous amino acid change and it is not expected to impact splicing.

Ambry Genetics
Classification: Likely benign for Hereditary cancer-predisposing syndrome. Last evaluated: 2022-09-04. Review status: criteria provided, single submitter. Criteria: Ambry Variant Classification Scheme 2023. Collection method: clinical testing. Allele origin: germline.